The following is an entry in ClinVar:

NM_016203.4(PRKAG2):c.1014T>G (p.Ile338Met)

Gene: PRKAG2 (protein kinase AMP-activated non-catalytic subunit gamma 2; minus strand). Cytogenetic location: 7q36.1.
Variant type: single nucleotide variant.
Coding change: c.1014T>G on transcript NM_016203.4 (MANE Select); coding-DNA position 1014, T replaced by G.
Protein change: p.Ile338Met; replaces isoleucine 338 with methionine.
Molecular consequence: missense variant.
Genome position (GRCh38, 1-based): chr7:151,572,701, A>C on the plus strand (T>G on the coding strand, the complement: PRKAG2 is on the minus strand). VCF-style: chr7-151572701-A-C. GRCh37 (hg19) VCF-style: chr7-151269787-A-C.
Other names: c.882T>G, p.Ile294Met (NM_001040633.2, NM_001407024.1); c.639T>G, p.Ile213Met (NM_001304527.2, NM_001407029.1); c.291T>G, p.Ile97Met (NM_001304531.2, NM_001407034.1, NM_001407035.1 and 1 more transcripts); c.642T>G, p.Ile214Met (NM_001363698.2, NM_001407028.1); c.1014T>G, p.Ile338Met (NM_001407021.1); c.1011T>G, p.Ile337Met (NM_001407022.1, NM_001407023.1); c.879T>G, p.Ile293Met (NM_001407026.1, NM_001407027.1); c.726T>G, p.Ile242Met (NM_001407030.1); and 6 more; short protein forms I294M, I337M, I338M, I96M, I97M, I113M, I117M, I213M.
Identifiers: ClinVar variation 3573881 (VCV003573881.1).

ClinVar aggregate classification (germline): Uncertain significance (1 of 4 stars; one submission).

Submission:

GeneDx
Classification: Uncertain significance. Last evaluated: 2024-07-18. Review status: criteria provided, single submitter. Criteria: GeneDx Variant Classification Process June 2021. Collection method: clinical testing. Allele origin: germline. Affected: yes.
Comment: Has not been previously published as pathogenic or benign to our knowledge; Not observed at significant frequency in large population cohorts (gnomAD); In silico analysis indicates that this missense variant does not alter protein structure/function